The following is an entry in ClinVar:

ClinVar aggregate classification (germline): Uncertain significance (1 of 4 stars; one submission).

Submission:

Labcorp Genetics (formerly Invitae), Labcorp
Classification: Uncertain significance. Last evaluated: 2024-05-23. Review status: criteria provided, single submitter. Criteria: Invitae Variant Classification Sherloc (09022015). Collection method: clinical testing. Allele origin: germline.
Comment: This sequence change replaces alanine, which is neutral and non-polar, with serine, which is neutral and polar, at codon 3648 of the FRAS1 protein (p.Ala3648Ser). This variant is not present in population databases (gnomAD no frequency). This variant has not been reported in the literature in individuals affected with FRAS1-related conditions. Advanced modeling of protein sequence and biophysical properties (such as structural, functional, and spatial information, amino acid conservation, physicochemical variation, residue mobility, and thermodynamic stability) performed at Invitae indicates that this missense variant is not expected to disrupt FRAS1 protein function with a negative predictive value of 80%. In summary, the available evidence is currently insufficient to determine the role of this variant in disease. Therefore, it has been classified as a Variant of Uncertain Significance.

NM_025074.7(FRAS1):c.10942G>T (p.Ala3648Ser)

Genes: FRAS1 (Fraser extracellular matrix complex subunit 1; plus strand), LOC126807089 (CDK7 strongly-dependent group 2 enhancer GRCh37_chr4:79455131-79456330; plus strand). Cytogenetic location: 4q21.21.
Variant type: single nucleotide variant.
Coding change: c.10942G>T on transcript NM_025074.7 (MANE Select); coding-DNA position 10942, G replaced by T.
Protein change: p.Ala3648Ser; replaces alanine 3648 with serine.
Molecular consequence: missense variant.
Genome position (GRCh38, 1-based): chr4:78,534,465, G>T. VCF-style: chr4-78534465-G-T. GRCh37 (hg19) VCF-style: chr4-79455619-G-T.
Other names: short protein forms A3648S.
Identifiers: ClinVar variation 3668288 (VCV003668288.2).